The following is an entry in ClinVar:

NM_001286.5(CLCN6):c.736G>T (p.Ala246Ser)

Gene: CLCN6 (chloride voltage-gated channel 6; plus strand). Cytogenetic location: 1p36.22.
Variant type: single nucleotide variant.
Coding change: c.736G>T on transcript NM_001286.5 (MANE Select); coding-DNA position 736, G replaced by T.
Protein change: p.Ala246Ser; replaces alanine 246 with serine.
Molecular consequence: missense variant. On other transcripts: non-coding transcript variant (1).
Genome position (GRCh38, 1-based): chr1:11,827,117, G>T. VCF-style: chr1-11827117-G-T. GRCh37 (hg19) VCF-style: chr1-11887174-G-T.
Other names: c.670G>T, p.Ala224Ser (NM_001256959.2); short protein forms A224S, A246S.
Identifiers: ClinVar variation 1463998 (VCV001463998.8), dbSNP rs2100639519, ClinGen allele CA338428714.

ClinVar aggregate classification (germline): Uncertain significance (1 of 4 stars; one submission).

Submission:

Labcorp Genetics (formerly Invitae), Labcorp
Classification: Uncertain significance. Last evaluated: 2023-08-04. Review status: criteria provided, single submitter. Criteria: Invitae Variant Classification Sherloc (09022015). Collection method: clinical testing. Allele origin: germline.
Comment: This sequence change replaces alanine, which is neutral and non-polar, with serine, which is neutral and polar, at codon 246 of the CLCN6 protein (p.Ala246Ser). This variant is not present in population databases (gnomAD no frequency). This variant has not been reported in the literature in individuals affected with CLCN6-related conditions. ClinVar contains an entry for this variant (Variation ID: 1463998). An algorithm developed to predict the effect of missense changes on protein structure and function (PolyPhen-2) suggests that this variant is likely to be disruptive. In summary, the available evidence is currently insufficient to determine the role of this variant in disease. Therefore, it has been classified as a Variant of Uncertain Significance.